The following is an entry in ClinVar:

ClinVar aggregate classification (germline): Uncertain significance (1 of 4 stars; one submission).

Conditions:
Hereditary breast ovarian cancer syndrome. Also called: Hereditary breast and ovarian cancer syndrome (HBOC); Breast and ovarian cancer; BRCA1- and BRCA2-Associated Hereditary Breast and Ovarian Cancer; Hereditary breast and ovarian cancer syndrome; Hereditary breast and ovarian cancer; Hereditary breast and/or ovarian cancer syndrome. Identifiers: Orphanet 145, MedGen C0677776, MeSH D061325, MONDO:0003582. Disease mechanism: loss of function.

Allele frequency attached by ClinVar (database versions not stated): ExAC 0.00001; gnomAD exomes 0.00001.
gnomAD v4.1: 3 of 1,613,960 alleles (0.00019%); highest among the groups gnomAD compares: South Asian, 0.0033%; no homozygotes.

Submission:

Labcorp Genetics (formerly Invitae), Labcorp
Classification: Uncertain significance for Hereditary breast ovarian cancer syndrome. Last evaluated: 2023-02-08. Review status: criteria provided, single submitter. Criteria: Invitae Variant Classification Sherloc (09022015). Collection method: clinical testing. Allele origin: germline.
Comment: This sequence change replaces glutamine, which is neutral and polar, with arginine, which is basic and polar, at codon 2941 of the BRCA2 protein (p.Gln2941Arg). This variant is present in population databases (rs779091957, gnomAD 0.007%). This variant has not been reported in the literature in individuals affected with BRCA2-related conditions. Advanced modeling of protein sequence and biophysical properties (such as structural, functional, and spatial information, amino acid conservation, physicochemical variation, residue mobility, and thermodynamic stability) performed at Invitae indicates that this missense variant is not expected to disrupt BRCA2 protein function. In summary, the available evidence is currently insufficient to determine the role of this variant in disease. Therefore, it has been classified as a Variant of Uncertain Significance.

NM_000059.4(BRCA2):c.8822A>G (p.Gln2941Arg)

Gene: BRCA2 (BRCA2 DNA repair associated; plus strand). Cytogenetic location: 13q13.1.
Variant type: single nucleotide variant.
Coding change: c.8822A>G on transcript NM_000059.4 (MANE Select); coding-DNA position 8822, A replaced by G.
Protein change: p.Gln2941Arg; replaces glutamine 2941 with arginine.
Molecular consequence: missense variant. On other transcripts: non-coding transcript variant (1).
Genome position (GRCh38, 1-based): chr13:32,379,384, A>G. VCF-style: chr13-32379384-A-G. GRCh37 (hg19) VCF-style: chr13-32953521-A-G.
Other names: c.8726A>G, p.Gln2909Arg (NM_001406719.1); c.8822A>G, p.Gln2941Arg (NM_001406720.1); c.3890A>G, p.Gln1297Arg (NM_001406721.1); c.2405A>G, p.Gln802Arg (NM_001406722.1); short protein forms Q2909R, Q802R, Q1297R, Q2941R.
Identifiers: ClinVar variation 2835236 (VCV002835236.3), dbSNP rs779091957, ClinGen allele CA6941303.